The following is an entry in ClinVar:

ClinVar aggregate classification (germline): Uncertain significance. Review status: criteria provided, multiple submitters, no conflicts (2 of 4 stars). 3 submissions from 3 submitters: Uncertain significance (3). Last evaluated 2025-09-22.

Conditions:
Lethal congenital glycogen storage disease of heart. Also called: GLYCOGEN STORAGE DISEASE OF HEART; PHOSPHORYLASE KINASE DEFICIENCY OF HEART. Identifiers: Orphanet 439854, MedGen C1849813, MONDO:0009867, OMIM 261740.
Cardiomyopathy (CMYO). Also called: Cardiomyopathies. Identifiers: Orphanet 167848, MedGen C0878544, MONDO:0004994, HP:0001638. Inheritance: Various modes of inheritance.
Hypertrophic cardiomyopathy. Also called: HYPERTROPHIC MYOCARDIOPATHY. Identifiers: Orphanet 217569, MedGen C0007194, MeSH D002312, MONDO:0005045, HP:0001639.

gnomAD v4.1: 2 of 1,609,218 alleles (0.00012%); highest among the groups gnomAD compares: Non-Finnish European, 0.00017%; no homozygotes.

Submissions (3):

Color Diagnostics, LLC DBA Color Health
Classification: Uncertain significance for Cardiomyopathy. Last evaluated: 2025-09-22. Review status: criteria provided, single submitter. Criteria: ACMG Guidelines, 2015. Collection method: clinical testing. Allele origin: germline.
Comment: This missense variant replaces alanine with valine at codon 4 of the PRKAG2 protein. Computational prediction suggests that this variant may not impact protein structure and function. To our knowledge, functional studies have not been reported for this variant. This variant has not been reported in individuals affected with PRKAG2-related disorders in the literature. This variant has not been identified in the general population by the Genome Aggregation Database (gnomAD). The available evidence is insufficient to determine the role of this variant in disease conclusively. Therefore, this variant is classified as a Variant of Uncertain Significance.

Labcorp Genetics (formerly Invitae), Labcorp
Classification: Uncertain significance for Lethal congenital glycogen storage disease of heart. Last evaluated: 2025-02-28. Review status: criteria provided, single submitter. Criteria: Invitae Variant Classification Sherloc (09022015). Collection method: clinical testing. Allele origin: germline.
Comment: This sequence change replaces alanine, which is neutral and non-polar, with valine, which is neutral and non-polar, at codon 4 of the PRKAG2 protein (p.Ala4Val). This variant is not present in population databases (gnomAD no frequency). This variant has not been reported in the literature in individuals affected with PRKAG2-related conditions. ClinVar contains an entry for this variant (Variation ID: 1500015). Invitae Evidence Modeling of protein sequence and biophysical properties (such as structural, functional, and spatial information, amino acid conservation, physicochemical variation, residue mobility, and thermodynamic stability) has been performed for this missense variant. However, the output from this modeling did not meet the statistical confidence thresholds required to predict the impact of this variant on PRKAG2 protein function. In summary, the available evidence is currently insufficient to determine the role of this variant in disease. Therefore, it has been classified as a Variant of Uncertain Significance.

All of Us Research Program, National Institutes of Health
Classification: Uncertain significance for Hypertrophic cardiomyopathy. Last evaluated: 2023-06-28. Review status: criteria provided, single submitter. Criteria: ACMG Guidelines, 2015. Collection method: clinical testing. Allele origin: germline. Inheritance: Autosomal dominant inheritance. Observed: 1 variant allele, 1 heterozygote.
Comment: This study involves interpretation of variants in research participants for the purpose of population health screening. Participant phenotype was not available at the time of variant classification. Additional details can be found in publication PMID: 35346344, PMCID: PMC8962531

NM_016203.4(PRKAG2):c.11C>T (p.Ala4Val)

Gene: PRKAG2 (protein kinase AMP-activated non-catalytic subunit gamma 2; minus strand). Cytogenetic location: 7q36.1.
Variant type: single nucleotide variant.
Coding change: c.11C>T on transcript NM_016203.4 (MANE Select); coding-DNA position 11, C replaced by T.
Protein change: p.Ala4Val; replaces alanine 4 with valine.
Molecular consequence: missense variant.
Genome position (GRCh38, 1-based): chr7:151,876,610, G>A on the plus strand (C>T on the coding strand, the complement: PRKAG2 is on the minus strand). VCF-style: chr7-151876610-G-A. GRCh37 (hg19) VCF-style: chr7-151573695-G-A.
Other names: short protein forms A4V.
Identifiers: ClinVar variation 1500015 (VCV001500015.9), dbSNP rs2151920498, ClinGen allele CA370072057.
Genomic context (GRCh38, chr7:151,876,610, plus strand): 5'-TTCTTGCCGCCGCTCCCGCCGGGGCTGGAAACATCTTTTTTCTTCTTGGTGTCCATAACC[G>A]CGCTTCCCATAACTCTAACCAGAAGTTGATTCTGCGAAACTCCTCGGGGGTTCGGTCCCC-3'
Protein context (NP_057287.2, residues 1-14): MGS[Ala4Val]VMDTKKKKDV